The following is an entry in ClinVar:

NM_032776.3(JMJD1C):c.7303C>T (p.Leu2435Phe)

Gene: JMJD1C (jumonji domain containing 1C; minus strand). Cytogenetic location: 10q21.3.
Variant type: single nucleotide variant.
Coding change: c.7303C>T on transcript NM_032776.3 (MANE Select); coding-DNA position 7303, C replaced by T.
Protein change: p.Leu2435Phe; replaces leucine 2435 with phenylalanine.
Molecular consequence: missense variant. On other transcripts: non-coding transcript variant (1).
Genome position (GRCh38, 1-based): chr10:63,176,395, G>A on the plus strand (C>T on the coding strand, the complement: JMJD1C is on the minus strand). VCF-style: chr10-63176395-G-A. GRCh37 (hg19) VCF-style: chr10-64936155-G-A.
Other names: c.6757C>T, p.Leu2253Phe (NM_001282948.2, NM_001318154.2); c.6439C>T, p.Leu2147Phe (NM_001318153.2); c.7189C>T, p.Leu2397Phe (NM_001322252.2); c.6646C>T, p.Leu2216Phe (NM_001322254.2, NM_001322258.2); short protein forms L2435F, L2216F, L2147F, L2253F, L2397F.
Identifiers: ClinVar variation 572334 (VCV000572334.8), dbSNP rs1311184859, ClinGen allele CA377019496.
Genomic context (GRCh38, chr10:63,176,395, plus strand): 5'-CAAGGAACTGAATAAGAGTACAGGTTCTGACTCCATATTCTTCAAGCAGCCTTTGACGGA[G>A]CTTTTTGTTCACATACCAACTTTGGTCACGTATTGGATCATGTTCTGGTAGAACTTCAAG-3'
Protein context (NP_116165.1, residues 2425-2445): RDQSWYVNKK[Leu2435Phe]RQRLLEEYGV

ClinVar aggregate classification (germline): Uncertain significance (1 of 4 stars; one submission).

Conditions:
Early Myoclonic Encephalopathy. Identifiers: MedGen C0270855.

Allele frequency attached by ClinVar (database versions not stated): gnomAD exomes below 0.00001; TOPMed below 0.00001.
gnomAD v4.1: 1 of 1,613,906 alleles (0.000062%); highest among the groups gnomAD compares: Non-Finnish European, 0.000085%; no homozygotes.

Submission:

Labcorp Genetics (formerly Invitae), Labcorp
Classification: Uncertain significance for Early Myoclonic Encephalopathy. Last evaluated: 2018-01-15. Review status: criteria provided, single submitter. Criteria: Invitae Variant Classification Sherloc (09022015). Collection method: clinical testing. Allele origin: germline.
Comment: This sequence change replaces leucine with phenylalanine at codon 2435 of the JMJD1C protein (p.Leu2435Phe). The leucine residue is highly conserved and there is a small physicochemical difference between leucine and phenylalanine. This variant is not present in population databases (ExAC no frequency). This variant has not been reported in the literature in individuals with JMJD1C-related disease. Algorithms developed to predict the effect of missense changes on protein structure and function do not agree on the potential impact of this missense change (SIFT: "Deleterious"; PolyPhen-2: "Probably Damaging"; Align-GVGD: "Class C0"). In summary, the available evidence is currently insufficient to determine the role of this variant in disease. Therefore, it has been classified as a Variant of Uncertain Significance.